The following is an entry in ClinVar:

ClinVar aggregate classification (germline): Uncertain significance (0 of 4 stars; one submission).

Conditions:
IQSEC2-related disorder. Also called: IQSEC2-related condition.

Submission:

PreventionGenetics, part of Exact Sciences
Classification: Uncertain significance for IQSEC2-related condition. Last evaluated: 2024-03-27. Review status: no assertion criteria provided. Collection method: clinical testing. Allele origin: germline.
Comment: The IQSEC2 c.4379C>T variant is predicted to result in the amino acid substitution p.Pro1460Leu. To our knowledge, this variant has not been reported in the literature or in a large population database, indicating this variant is rare. At this time, the clinical significance of this variant is uncertain due to the absence of conclusive functional and genetic evidence.

NM_001111125.3(IQSEC2):c.4379C>T (p.Pro1460Leu)

Gene: IQSEC2 (IQ motif and Sec7 domain ArfGEF 2; minus strand). Cytogenetic location: Xp11.22.
Variant type: single nucleotide variant.
Coding change: c.4379C>T on transcript NM_001111125.3 (MANE Select); coding-DNA position 4379, C replaced by T.
Protein change: p.Pro1460Leu; replaces proline 1460 with leucine.
Molecular consequence: missense variant. On other transcripts: 3 prime UTR variant (2).
Genome position (GRCh38, 1-based): chrX:53,234,307, G>A on the plus strand (C>T on the coding strand, the complement: IQSEC2 is on the minus strand). VCF-style: chrX-53234307-G-A. GRCh37 (hg19) VCF-style: chrX-53263489-G-A.
Other names: c.*864C>T (NM_001410736.1, NM_015075.2); short protein forms P1460L.
Identifiers: ClinVar variation 3348270 (VCV003348270.1).